The following is an entry in ClinVar:

NM_024675.4(PALB2):c.1685-14T>A

Gene: PALB2 (partner and localizer of BRCA2; minus strand). Cytogenetic location: 16p12.2.
Variant type: single nucleotide variant.
Coding change: c.1685-14T>A on transcript NM_024675.4 (MANE Select); 14 bases into the intron before coding-DNA position 1685, T replaced by A.
Molecular consequence: intron variant.
Genome position (GRCh38, 1-based): chr16:23,630,483, A>T on the plus strand (T>A on the coding strand, the complement: PALB2 is on the minus strand). VCF-style: chr16-23630483-A-T. GRCh37 (hg19) VCF-style: chr16-23641804-A-T.
Identifiers: ClinVar variation 389983 (VCV000389983.11), dbSNP rs780772404, ClinGen allele CA7963670.
Genomic context (GRCh38, chr16:23,630,483, plus strand): 5'-ATTACTCCAAGAAAGGGAATCCTCTTTTTGATGACGACTTTTCTTCCCTAAAGAAGAAAA[A>T]TAAGTCACAAAATAGTAACAAAACCCAACAAAACAGACAATCTGTTTCACTGATGACAAA-3'

ClinVar aggregate classification (germline): Conflicting classifications of pathogenicity. Review status: criteria provided, conflicting classifications (1 of 4 stars). 6 submissions from 6 submitters: Uncertain significance (1); Likely benign (4). 1 of the submissions does not count toward it. Last evaluated 2025-11-22.

Conditions:
Familial cancer of breast. Also called: Hereditary breast cancer; hereditary breast carcinoma; BREAST CANCER, FAMILIAL. Identifiers: Orphanet 227535, MedGen C0346153, MONDO:0016419, OMIM 114480. Disease mechanism: loss of function.
Hereditary cancer-predisposing syndrome. Also called: Hereditary Cancer Syndrome; Hereditary neoplastic syndrome; Neoplastic Syndromes, Hereditary; Tumor predisposition. Identifiers: Orphanet 140162, MedGen C0027672, MeSH D009386, MONDO:0015356.
PALB2-related cancer predisposition. Identifiers: MedGen CN377761, MONDO:0700272.

Allele frequency attached by ClinVar (database versions not stated): TOPMed below 0.00001; gnomAD 0.00001; gnomAD exomes 0.00001; ExAC 0.00004.
gnomAD v4.1: 14 of 1,580,074 alleles (0.00089%); highest among the groups gnomAD compares: South Asian, 0.012%; no homozygotes.

Submissions (6):

Labcorp Genetics (formerly Invitae), Labcorp
Classification: Likely benign for Familial cancer of breast. Last evaluated: 2025-11-22. Review status: criteria provided, single submitter. Criteria: Invitae Variant Classification Sherloc (09022015). Collection method: clinical testing. Allele origin: germline.

Department of Pathology and Laboratory Medicine, Sinai Health System
Classification: Likely benign for PALB2-related cancer predisposition. Last evaluated: 2023-11-24. Review status: criteria provided, single submitter. Criteria: ACMG Guidelines, 2015. Collection method: clinical testing. Allele origin: germline. Affected: no.

Myriad Genetics, Inc.
Classification: Uncertain significance for Familial cancer of breast. Last evaluated: 2023-03-30. Review status: criteria provided, single submitter. Criteria: Myriad Autosomal Dominant, Autosomal Recessive and X-Linked Classification Criteria (2023). Collection method: clinical testing. Allele origin: unknown.
Comment: This variant is classified as a variant of uncertain significance as there is insufficient evidence to determine its impact on protein function and/or cancer risk.

Color Diagnostics, LLC DBA Color Health
Classification: Likely benign for Hereditary cancer-predisposing syndrome. Last evaluated: 2022-09-20. Review status: criteria provided, single submitter. Criteria: ACMG Guidelines, 2015. Collection method: clinical testing. Allele origin: germline.

GeneDx
Classification: Likely benign. Last evaluated: 2016-10-07. Review status: criteria provided, single submitter. Criteria: GeneDx Variant Classification (06012015). Collection method: clinical testing. Allele origin: germline. Affected: yes.
Comment: This variant is considered likely benign or benign based on one or more of the following criteria: it is a conservative change, it occurs at a poorly conserved position in the protein, it is predicted to be benign by multiple in silico algorithms, and/or has population frequency not consistent with disease.

Counsyl
Classification: Likely benign for Familial cancer of breast. Last evaluated: 2018-04-10. Review status: no assertion criteria provided. Collection method: clinical testing. Allele origin: unknown. Not counted in ClinVar's aggregate classification.